The following is an entry in ClinVar:

ClinVar aggregate classification (germline): Likely pathogenic (1 of 4 stars; one submission).

Conditions:
Dilated cardiomyopathy 1G (CMD1G). Identifiers: Orphanet 154, MedGen C1858763, MONDO:0011400, OMIM 604145.
Autosomal recessive limb-girdle muscular dystrophy type 2J (LGMDR10). Also called: Limb-girdle muscular dystrophy, type 2J; MUSCULAR DYSTROPHY, LIMB-GIRDLE, AUTOSOMAL RECESSIVE 10. Identifiers: Orphanet 140922, MedGen C1837342, MONDO:0012127, OMIM 608807.

Submission:

Labcorp Genetics (formerly Invitae), Labcorp
Classification: Likely pathogenic for Dilated cardiomyopathy 1G; Autosomal recessive limb-girdle muscular dystrophy type 2J. Last evaluated: 2018-12-30. Review status: criteria provided, single submitter. Criteria: Invitae Variant Classification Sherloc (09022015). Collection method: clinical testing. Allele origin: germline.
Comment: This sequence change affects an acceptor splice site in intron 283 of the TTN gene. While this is not anticipated to result in nonsense mediated decay, it is expected to create a truncated TTN protein. This variant is not present in population databases (ExAC no frequency). In summary, the currently available evidence indicates that the variant is pathogenic, but additional data are needed to prove that conclusively. Therefore, this variant has been classified as Likely Pathogenic. This variant is located in the A band of TTN (PMID: 25589632). Truncating variants in this region are significantly overrepresented in patients affected with dilated cardiomyopathy (PMID: 25589632). Truncating variants in this region have also been reported in individuals affected with autosomal recessive centronuclear myopathy (PMID: 23975875). This variant has not been reported in the literature in individuals with TTN-related conditions.

Literature cited by the submitters: PubMed 25589632; PubMed 23975875.

NM_001267550.2(TTN):c.55121-1G>A

Genes: TTN (titin; minus strand), TTN-AS1 (TTN antisense RNA 1; plus strand). Cytogenetic location: 2q31.2.
Variant type: single nucleotide variant.
Coding change: c.55121-1G>A on transcript NM_001267550.2 (MANE Select); the canonical splice acceptor site of the intron before coding-DNA position 55121, G replaced by A.
Molecular consequence: splice acceptor variant.
Genome position (GRCh38, 1-based): chr2:178,602,151, C>T on the plus strand (G>A on the coding strand, the complement: TTN is on the minus strand). VCF-style: chr2-178602151-C-T. GRCh37 (hg19) VCF-style: chr2-179466878-C-T.
Other names: c.27926-1G>A (NM_003319.4); c.28502-1G>A (NM_133437.4); c.28301-1G>A (NM_133432.3); c.47417-1G>A (NM_133378.4); c.50198-1G>A (NM_001256850.1).
Identifiers: ClinVar variation 643167 (VCV000643167.9), dbSNP rs1576297857, ClinGen allele CA349544535.